The following is an entry in ClinVar:

NM_001130144.3(LTBP3):c.307C>T (p.Leu103Phe)

Gene: LTBP3 (latent transforming growth factor beta binding protein 3; minus strand). Cytogenetic location: 11q13.1.
Variant type: single nucleotide variant.
Coding change: c.307C>T on transcript NM_001130144.3 (MANE Select); coding-DNA position 307, C replaced by T.
Protein change: p.Leu103Phe; replaces leucine 103 with phenylalanine.
Molecular consequence: missense variant. On other transcripts: 5 prime UTR variant (1).
Genome position (GRCh38, 1-based): chr11:65,557,653, G>A on the plus strand (C>T on the coding strand, the complement: LTBP3 is on the minus strand). VCF-style: chr11-65557653-G-A. GRCh37 (hg19) VCF-style: chr11-65325124-G-A.
Other names: c.-41C>T (NM_001164266.1); c.307C>T, p.Leu103Phe (NM_021070.4); short protein forms L103F.
Identifiers: ClinVar variation 3663684 (VCV003663684.2).
Genomic context (GRCh38, chr11:65,557,653, plus strand): 5'-CCTTCCCCTGCCCCCAGCCGTGCCCCCGGCCCTCACCCACGCGGAAGCCGGAGCCCGTGA[G>A]CGTGTCTGTGCTGTGGCCGTTCTCTCCGATGAGCGTCATGTTGGAGCCCTGCTGACAACT-3'
Protein context (NP_001123616.1, residues 93-113): IGENGHSTDT[Leu103Phe]TGSGFRVVVC

ClinVar aggregate classification (germline): Uncertain significance (1 of 4 stars; one submission).

Conditions:
Brachyolmia-amelogenesis imperfecta syndrome. Also called: PLATYSPONDYLY WITH AMELOGENESIS IMPERFECTA; Tooth agenesis, selective, 6; Dental anomalies and short stature. Identifiers: Orphanet 2899, MedGen C1832594, MONDO:0011018, OMIM 601216. Disease mechanism: loss of function.

Submission:

Labcorp Genetics (formerly Invitae), Labcorp
Classification: Uncertain significance for Brachyolmia-amelogenesis imperfecta syndrome. Last evaluated: 2024-08-28. Review status: criteria provided, single submitter. Criteria: Invitae Variant Classification Sherloc (09022015). Collection method: clinical testing. Allele origin: germline.
Comment: This sequence change replaces leucine, which is neutral and non-polar, with phenylalanine, which is neutral and non-polar, at codon 103 of the LTBP3 protein (p.Leu103Phe). This variant is not present in population databases (gnomAD no frequency). This variant has not been reported in the literature in individuals affected with LTBP3-related conditions. An algorithm developed to predict the effect of missense changes on protein structure and function (PolyPhen-2) suggests that this variant is likely to be disruptive. In summary, the available evidence is currently insufficient to determine the role of this variant in disease. Therefore, it has been classified as a Variant of Uncertain Significance.